The following is an entry in ClinVar:

NM_018127.7(ELAC2):c.271G>A (p.Val91Ile)

Gene: ELAC2 (elaC ribonuclease Z 2; minus strand). Cytogenetic location: 17p12.
Variant type: single nucleotide variant.
Coding change: c.271G>A on transcript NM_018127.7 (MANE Select); coding-DNA position 271, G replaced by A.
Protein change: p.Val91Ile; replaces valine 91 with isoleucine.
Molecular consequence: missense variant.
Genome position (GRCh38, 1-based): chr17:13,017,096, C>T on the plus strand (G>A on the coding strand, the complement: ELAC2 is on the minus strand). VCF-style: chr17-13017096-C-T. GRCh37 (hg19) VCF-style: chr17-12920413-C-T.
Other names: c.271G>A (NM_018127.6); c.271G>A, p.Val91Ile (NM_001165962.2, NM_173717.2); short protein forms V91I.
Identifiers: ClinVar variation 1405997 (VCV001405997.6), dbSNP rs750042259, ClinGen allele CA8401757.

ClinVar aggregate classification (germline): Conflicting classifications of pathogenicity. Review status: criteria provided, conflicting classifications (1 of 4 stars). 3 submissions from 3 submitters: Uncertain significance (2); Likely benign (1). Last evaluated 2026-04-14.

Conditions:
Combined oxidative phosphorylation defect type 17. Also called: Combined oxidative phosphorylation deficiency 17. Identifiers: Orphanet 369913, MedGen C3809526, MONDO:0014190, OMIM 615440.
Inborn genetic diseases. Identifiers: MedGen C0950123, MeSH D030342.

Allele frequency attached by ClinVar (database versions not stated): TOPMed 0.00001; gnomAD exomes 0.00003 and 0.00002; ExAC 0.00005; gnomAD 0.00001.
gnomAD v4.1: 30 of 1,613,888 alleles (0.0019%); highest among the groups gnomAD compares: Middle Eastern, 0.033%; no homozygotes.

Submissions (3):

Ambry Genetics
Classification: Likely benign for Inborn genetic diseases. Last evaluated: 2026-04-14. Review status: criteria provided, single submitter. Criteria: Ambry Variant Classification Scheme 2023. Collection method: clinical testing. Allele origin: germline.

Labcorp Genetics (formerly Invitae), Labcorp
Classification: Uncertain significance for Combined oxidative phosphorylation defect type 17. Last evaluated: 2025-01-14. Review status: criteria provided, single submitter. Criteria: Invitae Variant Classification Sherloc (09022015). Collection method: clinical testing. Allele origin: germline.
Comment: This sequence change replaces valine, which is neutral and non-polar, with isoleucine, which is neutral and non-polar, at codon 91 of the ELAC2 protein (p.Val91Ile). This variant is present in population databases (rs750042259, gnomAD 0.006%). This variant has not been reported in the literature in individuals affected with ELAC2-related conditions. ClinVar contains an entry for this variant (Variation ID: 1405997). Invitae Evidence Modeling of protein sequence and biophysical properties (such as structural, functional, and spatial information, amino acid conservation, physicochemical variation, residue mobility, and thermodynamic stability) indicates that this missense variant is not expected to disrupt ELAC2 protein function with a negative predictive value of 80%. In summary, the available evidence is currently insufficient to determine the role of this variant in disease. Therefore, it has been classified as a Variant of Uncertain Significance.

GeneDx
Classification: Uncertain significance. Last evaluated: 2022-12-05. Review status: criteria provided, single submitter. Criteria: GeneDx Variant Classification Process June 2021. Collection method: clinical testing. Allele origin: germline. Affected: yes.
Comment: Not observed at significant frequency in large population cohorts (gnomAD); In silico analysis supports that this missense variant does not alter protein structure/function; Has not been previously published as pathogenic or benign to our knowledge